The following is an entry in ClinVar:

NM_170784.3(MKKS):c.788G>A (p.Ser263Asn)

Gene: MKKS (MKKS centrosomal shuttling protein; minus strand). Cytogenetic location: 20p12.2.
Variant type: single nucleotide variant.
Coding change: c.788G>A on transcript NM_170784.3 (MANE Select); coding-DNA position 788, G replaced by A.
Protein change: p.Ser263Asn; replaces serine 263 with asparagine.
Molecular consequence: missense variant.
Genome position (GRCh38, 1-based): chr20:10,412,727, C>T on the plus strand (G>A on the coding strand, the complement: MKKS is on the minus strand). VCF-style: chr20-10412727-C-T. GRCh37 (hg19) VCF-style: chr20-10393375-C-T.
Other names: c.788G>A, p.Ser263Asn (NM_018848.3); short protein forms S263N.
Identifiers: ClinVar variation 3353182 (VCV003353182.1).
Genomic context (GRCh38, chr20:10,412,727, plus strand): 5'-AGCTGCCTTCCTAGGTTAAGCAGCTGGTCCAAGACTGCATTTTCAAGAGAAACCCCATAA[C>T]TGACCACCACAGTTCCTTCTCCAGTGTCAGAAGTGTCTCCGGATAAAGTTGTACAAAAGA-3'
Protein context (NP_740754.1, residues 253-273): SDTGEGTVVV[Ser263Asn]YGVSLENAVL

ClinVar aggregate classification (germline): Uncertain significance (0 of 4 stars; one submission).

Conditions:
MKKS-related disorder. Also called: MKKS-related condition; MKKS-related disorders.

Submission:

PreventionGenetics, part of Exact Sciences
Classification: Uncertain significance for MKKS-related condition. Last evaluated: 2024-01-30. Review status: no assertion criteria provided. Collection method: clinical testing. Allele origin: germline.
Comment: The MKKS c.788G>A variant is predicted to result in the amino acid substitution p.Ser263Asn. To our knowledge, this variant has not been reported in the literature or in a large population database, indicating this variant is rare. At this time, the clinical significance of this variant is uncertain due to the absence of conclusive functional and genetic evidence.